The following is an entry in ClinVar:

ClinVar aggregate classification (germline): Uncertain significance (1 of 4 stars; one submission).

Allele frequency attached by ClinVar (database versions not stated): ExAC 0.00001; gnomAD 0.00001; gnomAD exomes 0.00001; TOPMed 0.00001.
gnomAD v4.1: 15 of 1,611,786 alleles (0.00093%); highest among the groups gnomAD compares: Middle Eastern, 0.016%; 1 homozygote.

Submission:

Labcorp Genetics (formerly Invitae), Labcorp
Classification: Uncertain significance. Last evaluated: 2022-07-11. Review status: criteria provided, single submitter. Criteria: Invitae Variant Classification Sherloc (09022015). Collection method: clinical testing. Allele origin: germline.
Comment: This sequence change replaces threonine, which is neutral and polar, with alanine, which is neutral and non-polar, at codon 358 of the MPDZ protein (p.Thr358Ala). This variant is present in population databases (rs772288591, gnomAD 0.0009%). This variant has not been reported in the literature in individuals affected with MPDZ-related conditions. Algorithms developed to predict the effect of missense changes on protein structure and function output the following: SIFT: "Tolerated"; PolyPhen-2: "Benign"; Align-GVGD: "Class C0". The alanine amino acid residue is found in multiple mammalian species, which suggests that this missense change does not adversely affect protein function. In summary, the available evidence is currently insufficient to determine the role of this variant in disease. Therefore, it has been classified as a Variant of Uncertain Significance.

NM_001378778.1(MPDZ):c.1072A>G (p.Thr358Ala)

Gene: MPDZ (multiple PDZ domain crumbs cell polarity complex component; minus strand). Cytogenetic location: 9p23.
Variant type: single nucleotide variant.
Coding change: c.1072A>G on transcript NM_001378778.1 (MANE Select); coding-DNA position 1072, A replaced by G.
Protein change: p.Thr358Ala; replaces threonine 358 with alanine.
Molecular consequence: missense variant.
Genome position (GRCh38, 1-based): chr9:13,219,573, T>C on the plus strand (A>G on the coding strand, the complement: MPDZ is on the minus strand). VCF-style: chr9-13219573-T-C. GRCh37 (hg19) VCF-style: chr9-13219572-T-C.
Other names: c.1072A>G, p.Thr358Ala (NM_001261406.2, NM_001261407.2, NM_001330637.2 and 14 more transcripts); short protein forms T358A.
Identifiers: ClinVar variation 1915984 (VCV001915984.2), dbSNP rs772288591, ClinGen allele CA4987924.